The following is an entry in ClinVar:

ClinVar aggregate classification (germline): Uncertain significance (1 of 4 stars; one submission).

Conditions:
Phenylketonuria (PKU). Also called: OLIGOPHRENIA PHENYLPYRUVICA; Phenylketonuria (PKU); Phenylketonurias; FOLLING DISEASE. Identifiers: Orphanet 716, MedGen C0031485, MONDO:0009861, OMIM 261600. Disease mechanism: loss of function.

Allele frequency attached by ClinVar (database versions not stated): gnomAD exomes below 0.00001.
gnomAD v4.1: 1 of 1,613,668 alleles (0.000062%); highest among the groups gnomAD compares: Non-Finnish European, 0.000085%; no homozygotes.

Submission:

Labcorp Genetics (formerly Invitae), Labcorp
Classification: Uncertain significance for Phenylketonuria. Last evaluated: 2021-01-08. Review status: criteria provided, single submitter. Criteria: Invitae Variant Classification Sherloc (09022015). Collection method: clinical testing. Allele origin: germline.
Comment: In summary, the available evidence is currently insufficient to determine the role of this variant in disease. Therefore, it has been classified as a Variant of Uncertain Significance. Advanced modeling of protein sequence and biophysical properties (such as structural, functional, and spatial information, amino acid conservation, physicochemical variation, residue mobility, and thermodynamic stability) performed at Invitae indicates that this missense variant is expected to disrupt PAH protein function. This variant has not been reported in the literature in individuals with PAH-related conditions. This variant is not present in population databases (ExAC no frequency). This sequence change replaces glutamic acid with valine at codon 316 of the PAH protein (p.Glu316Val). The glutamic acid residue is moderately conserved and there is a moderate physicochemical difference between glutamic acid and valine.

NM_000277.3(PAH):c.947A>T (p.Glu316Val)

Gene: PAH (phenylalanine hydroxylase; minus strand). Cytogenetic location: 12q23.2.
Variant type: single nucleotide variant.
Coding change: c.947A>T on transcript NM_000277.3 (MANE Select); coding-DNA position 947, A replaced by T.
Protein change: p.Glu316Val; replaces glutamic acid 316 with valine.
Molecular consequence: missense variant.
Genome position (GRCh38, 1-based): chr12:102,846,917, T>A on the plus strand (A>T on the coding strand, the complement: PAH is on the minus strand). VCF-style: chr12-102846917-T-A. GRCh37 (hg19) VCF-style: chr12-103240695-T-A.
Other names: c.947A>T, p.Glu316Val (NM_001354304.2); short protein forms E316V.
Identifiers: ClinVar variation 1044612 (VCV001044612.7), dbSNP rs1874873096, ClinGen allele CA386291621.